The following is an entry in ClinVar:

NM_201384.3(PLEC):c.4230C>T (p.Asp1410=)

Gene: PLEC (plectin; minus strand). Cytogenetic location: 8q24.3.
Variant type: single nucleotide variant.
Coding change: c.4230C>T on transcript NM_201384.3 (MANE Select); coding-DNA position 4230, C replaced by T.
Protein change: p.Asp1410=; no amino-acid change (aspartic acid 1410 retained).
Molecular consequence: synonymous variant.
Genome position (GRCh38, 1-based): chr8:143,925,699, G>A on the plus strand (C>T on the coding strand, the complement: PLEC is on the minus strand). VCF-style: chr8-143925699-G-A. GRCh37 (hg19) VCF-style: chr8-144999867-G-A.
Other names: c.4311C>T, p.Asp1437= (NM_000445.5); c.4188C>T, p.Asp1396= (NM_201378.4); c.4164C>T, p.Asp1388= (NM_201379.3); c.4641C>T, p.Asp1547= (NM_201380.4); c.4134C>T, p.Asp1378= (NM_201381.3); c.4230C>T, p.Asp1410= (NM_201382.4); c.4242C>T, p.Asp1414= (NM_201383.3).
Identifiers: ClinVar variation 282865 (VCV000282865.41), dbSNP rs111282136, ClinGen allele CA4926728.
Genomic context (GRCh38, chr8:143,925,699, plus strand): 5'-CTCCGAGCTCTGCCGCAGCTGCTGCAGCTCCTCCTGAATGCTGCGCTTCTGCTGCTGCGC[G>A]TCCACCGCCGCCTCCTCCCGCCGCACCACCTCCTCCTGCATGCGCTGCTGCAGCTCCTTC-3'
Protein context (NP_958786.1, residues 1400-1420): EVVRREEAAV[Asp1410=]AQQQKRSIQE

ClinVar aggregate classification (germline): Likely benign. Review status: criteria provided, multiple submitters, no conflicts (2 of 4 stars). 6 submissions from 6 submitters: Likely benign (6). Last evaluated 2026-01-21.

Conditions:
Epidermolysis bullosa simplex, Ogna type (EBS5A). Also called: Pidermolysis bullosa simplex 5A, Ogna type; EPIDERMOLYSIS BULLOSA SIMPLEX 5A, OGNA TYPE. Identifiers: Orphanet 79401, MedGen C0432317, MONDO:0007555, OMIM 131950.
Epidermolysis bullosa simplex with nail dystrophy (EBS5D). Identifiers: MedGen C4225309, MONDO:0014661, OMIM 616487.
Autosomal recessive limb-girdle muscular dystrophy type 2Q (LGMDR17). Also called: MUSCULAR DYSTROPHY, LIMB-GIRDLE, AUTOSOMAL RECESSIVE 17. Identifiers: Orphanet 254361, MedGen C3150989, MONDO:0013390, OMIM 613723.
Epidermolysis bullosa simplex 5C, with pyloric atresia (EBS5C). Also called: Epidermolysis bullosa simplex with pyloric atresia; PLEC1-Related Epidermolysis Bullosa with Pyloric Atresia; PLEC-Related Epidermolysis Bullosa with Pyloric Atresia. Identifiers: Orphanet 158684, MedGen C2677349, MONDO:0012807, OMIM 612138.
Epidermolysis bullosa simplex 5B, with muscular dystrophy (EBS5B). Also called: Epidermolysis bullosa simplex with muscular dystrophy; EPIDERMOLYSIS BULLOSA SIMPLEX AND LIMB-GIRDLE MUSCULAR DYSTROPHY. Identifiers: Orphanet 257, MedGen C2931072, MONDO:0009181, OMIM 226670.

Allele frequency attached by ClinVar (database versions not stated): TOPMed 0.00092; 1000 Genomes Project 0.00100; ESP Exome Variant Server 0.00107; gnomAD 0.00109 and 0.00110; 1000 Genomes Project 30x 0.00172.
gnomAD v4.1: 2,391 of 1,591,996 alleles (0.15%); highest among the groups gnomAD compares: Non-Finnish European, 0.18%; 2 homozygotes.

Submissions (6):

Labcorp Genetics (formerly Invitae), Labcorp
Classification: Likely benign for Autosomal recessive limb-girdle muscular dystrophy type 2Q; Epidermolysis bullosa simplex, Ogna type; Epidermolysis bullosa simplex with nail dystrophy; Epidermolysis bullosa simplex 5C, with pyloric atresia; Epidermolysis bullosa simplex 5B, with muscular dystrophy. Last evaluated: 2026-01-21. Review status: criteria provided, single submitter. Criteria: Invitae Variant Classification Sherloc (09022015). Collection method: clinical testing. Allele origin: germline.

CeGaT Center for Human Genetics Tuebingen
Classification: Likely benign. Last evaluated: 2025-07-01. Review status: criteria provided, single submitter. Criteria: CeGaT Center For Human Genetics Tuebingen Variant Classification Criteria Version 2. Collection method: clinical testing. Allele origin: germline. Affected: yes. Observed: 6 variant alleles.
Comment: PLEC: BP4, BP7

Blueprint Genetics
Classification: Likely benign. Last evaluated: 2024-09-06. Review status: criteria provided, single submitter. Criteria: ACMG Guidelines, 2015. Collection method: clinical testing. Allele origin: germline.

GeneDx
Classification: Likely benign. Last evaluated: 2020-08-05. Review status: criteria provided, single submitter. Criteria: GeneDx Variant Classification Process June 2021. Collection method: clinical testing. Allele origin: germline. Affected: yes.

Athena Diagnostics
Classification: Likely benign. Last evaluated: 2017-10-20. Review status: criteria provided, single submitter. Criteria: Athena Diagnostics Criteria. Collection method: clinical testing. Allele origin: germline.

Eurofins Ntd Llc (ga)
Classification: Likely benign. Last evaluated: 2015-08-25. Review status: criteria provided, single submitter. Criteria: EGL Classification Definitions 2015. Collection method: clinical testing. Allele origin: germline. Observed: 11 variant alleles, 11 heterozygotes.